The following is an entry in ClinVar:

ClinVar aggregate classification (germline): Likely benign. Review status: criteria provided, single submitter (1 of 4 stars). 2 submissions from 2 submitters: Likely benign (1). 1 of the submissions does not count toward it. Last evaluated 2025-09-08.

Conditions:
PIGQ-related disorder. Also called: PIGQ-related condition.
Epilepsy. Also called: Seizure disorder. Identifiers: MedGen C0014544, MeSH D004827, MONDO:0005027.

Allele frequency attached by ClinVar (database versions not stated): gnomAD exomes 0.00002 and 0.00005; TOPMed 0.00002; ExAC 0.00006; ESP Exome Variant Server 0.00015.
gnomAD v4.1: 29 of 1,606,422 alleles (0.0018%); highest among the groups gnomAD compares: Admixed American, 0.0067%; no homozygotes.

Submissions (2):

Labcorp Genetics (formerly Invitae), Labcorp
Classification: Likely benign for Epilepsy. Last evaluated: 2025-09-08. Review status: criteria provided, single submitter. Criteria: Invitae Variant Classification Sherloc (09022015). Collection method: clinical testing. Allele origin: germline.

PreventionGenetics, part of Exact Sciences
Classification: Likely benign for PIGQ-related condition. Last evaluated: 2019-09-17. Review status: no assertion criteria provided. Collection method: clinical testing. Allele origin: germline. Not counted in ClinVar's aggregate classification.
Comment: This variant is classified as likely benign based on ACMG/AMP sequence variant interpretation guidelines (Richards et al. 2015 PMID: 25741868, with internal and published modifications).

NM_004204.5(PIGQ):c.943-10G>A

Gene: PIGQ (phosphatidylinositol glycan anchor biosynthesis class Q; plus strand). Cytogenetic location: 16p13.3.
Variant type: single nucleotide variant.
Coding change: c.943-10G>A on transcript NM_004204.5 (MANE Select); 10 bases into the intron before coding-DNA position 943, G replaced by A.
Molecular consequence: intron variant.
Genome position (GRCh38, 1-based): chr16:578,369, G>A. VCF-style: chr16-578369-G-A. GRCh37 (hg19) VCF-style: chr16-628369-G-A.
Other names: c.943-10G>A (NM_148920.4, NM_004204.3).
Identifiers: ClinVar variation 1445868 (VCV001445868.10), dbSNP rs372502282, ClinGen allele CA7780058.